The following is an entry in ClinVar:

ClinVar aggregate classification (germline): Benign/Likely benign. Review status: criteria provided, multiple submitters, no conflicts (2 of 4 stars). 3 submissions from 3 submitters: Benign (1); Likely benign (2). Last evaluated 2025-12-03.

Conditions:
Imerslund-Grasbeck syndrome. Also called: ENTEROCYTE COBALAMIN MALABSORPTION; ENTEROCYTE INTRINSIC FACTOR RECEPTOR, DEFECT OF; Imerslund-Gräsbeck syndrome; Megaloblastic anemia due to inborn errors of metabolism; PERNICIOUS ANEMIA, JUVENILE, DUE TO SELECTIVE INTESTINAL MALABSORPTION OF VITAMIN B12, WITH PROTEINURIA. Identifiers: Orphanet 35858, MedGen C4551825, MONDO:0009853.
Imerslund-Grasbeck syndrome type 1 (IGS1). Also called: Megaloblastic anemia 1, Finnish type; Imerslund-Gräsbeck syndrome 1; MEGALOBLASTIC ANEMIA, 1. Identifiers: MedGen C4016819, MONDO:0100156, OMIM 261100.
Inborn genetic diseases. Identifiers: MedGen C0950123, MeSH D030342.

Allele frequency attached by ClinVar (database versions not stated): gnomAD 0.00027 and 0.00033; 1000 Genomes Project 0.00180; TOPMed 0.00056; ExAC 0.00079; 1000 Genomes Project 30x 0.00156; gnomAD exomes 0.00081 and 0.00016.
gnomAD v4.1: 300 of 1,613,820 alleles (0.019%); highest among the groups gnomAD compares: East Asian, 0.55%; no homozygotes.

Submissions (3):

Labcorp Genetics (formerly Invitae), Labcorp
Classification: Benign for Imerslund-Grasbeck syndrome. Last evaluated: 2025-12-03. Review status: criteria provided, single submitter. Criteria: Invitae Variant Classification Sherloc (09022015). Collection method: clinical testing. Allele origin: germline.

Ambry Genetics
Classification: Likely benign for Inborn genetic diseases. Last evaluated: 2025-05-01. Review status: criteria provided, single submitter. Criteria: Ambry Variant Classification Scheme 2023. Collection method: clinical testing. Allele origin: germline.

Illumina Laboratory Services, Illumina
Classification: Likely benign for Imerslund-Grasbeck syndrome type 1. Last evaluated: 2018-01-12. Review status: criteria provided, single submitter. Criteria: ICSL Variant Classification Criteria 13 December 2019. Collection method: clinical testing. Allele origin: germline.
Comment: This variant was observed in the ICSL laboratory as part of a predisposition screen in an ostensibly healthy population. It had not been previously curated by ICSL or reported in the Human Gene Mutation Database (HGMD: prior to June 1st, 2018), and was therefore a candidate for classification through an automated scoring system. Utilizing variant allele frequency, disease prevalence and penetrance estimates, and inheritance mode, an automated score was calculated to assess if this variant is too frequent to cause the disease. Based on the score and internal cut-off values, a variant classified as likely benign is not then subjected to further curation. The score for this variant resulted in a classification of likely benign for this disease.

NM_001081.4(CUBN):c.5207C>T (p.Ser1736Leu)

Gene: CUBN (cubilin; minus strand). Cytogenetic location: 10p13.
Variant type: single nucleotide variant.
Coding change: c.5207C>T on transcript NM_001081.4 (MANE Select); coding-DNA position 5207, C replaced by T.
Protein change: p.Ser1736Leu; replaces serine 1736 with leucine.
Molecular consequence: missense variant.
Genome position (GRCh38, 1-based): chr10:16,948,480, G>A on the plus strand (C>T on the coding strand, the complement: CUBN is on the minus strand). VCF-style: chr10-16948480-G-A. GRCh37 (hg19) VCF-style: chr10-16990479-G-A.
Other names: short protein forms S1736L.
Identifiers: ClinVar variation 880316 (VCV000880316.12), dbSNP rs191787640, ClinGen allele CA5424105.
Genomic context (GRCh38, chr10:16,948,480, plus strand): 5'-CCAAGAATTTCTACCACATCCCTTTTAACCGCTAGAGTCAGGTGCTAGGGTTTCTTACCC[G>A]ACACTGATGCGGTGACCGTGGTGTGGAAACCCCCAGCACTGATGCTAGAATCAGAGACGA-3'
Protein context (NP_001072.2, residues 1726-1746): GFHTTVTASV[Ser1736Leu]ACGGTFYMAE